The following is an entry in ClinVar:

ClinVar aggregate classification (germline): Pathogenic/Likely pathogenic. Review status: criteria provided, multiple submitters, no conflicts (2 of 4 stars). 2 submissions from 2 submitters: Pathogenic (1); Likely pathogenic (1). Last evaluated 2024-06-21.

Conditions:
Microcephaly and chorioretinopathy 2. Also called: Microcephaly and chorioretinopathy, autosomal recessive, 2. Identifiers: Orphanet 808, MedGen C4015388, MONDO:0014516, OMIM 616171.

Submissions (2):

Labcorp Genetics (formerly Invitae), Labcorp
Classification: Pathogenic. Last evaluated: 2024-06-21. Review status: criteria provided, single submitter. Criteria: Invitae Variant Classification Sherloc (09022015). Collection method: clinical testing. Allele origin: germline.
Comment: This sequence change creates a premature translational stop signal (p.Pro553Leufs*3) in the PLK4 gene. It is expected to result in an absent or disrupted protein product. Loss-of-function variants in PLK4 are known to be pathogenic (PMID: 25320347, 30842647). This variant is not present in population databases (gnomAD no frequency). This variant has not been reported in the literature in individuals affected with PLK4-related conditions. Algorithms developed to predict the effect of sequence changes on RNA splicing suggest that this variant may disrupt the consensus splice site. For these reasons, this variant has been classified as Pathogenic.

Institute of Human Genetics, Heidelberg University
Classification: Likely pathogenic for Microcephaly and chorioretinopathy 2. Last evaluated: 2024-01-29. Review status: criteria provided, single submitter. Criteria: ACMG Guidelines, 2015. Collection method: clinical testing. Allele origin: germline. Affected: yes.

Literature cited by the submitters: PubMed 25320347 (cited by Labcorp Genetics (formerly Invitae), Labcorp); PubMed 30842647 (cited by Labcorp Genetics (formerly Invitae), Labcorp).

NM_014264.5(PLK4):c.1658del (p.Pro553fs)

Gene: PLK4 (polo like kinase 4; plus strand). Cytogenetic location: 4q28.1.
Variant type: Deletion.
Coding change: c.1658del on transcript NM_014264.5 (MANE Select); coding-DNA position 1658, one base deleted (C; older notation c.1658delC).
Protein change: p.Pro553fs; shifts the reading frame from proline 553.
Molecular consequence: frameshift variant.
Genome position (GRCh38, 1-based): chr4:127,890,064, C deleted; the last of 2 consecutive C bases (chr4:127,890,063-127,890,064); deleting either gives the same sequence. VCF-style (leftmost placement, unchanged base first): chr4-127890062-AC-A. GRCh37 (hg19) VCF-style: chr4-128811217-AC-A.
Other names: c.1562del, p.Pro521fs (NM_001190799.2); c.1535del, p.Pro512fs (NM_001190801.2); short protein forms P512fs, P521fs, P553fs.
Identifiers: ClinVar variation 3069188 (VCV003069188.4), dbSNP rs2546018442, ClinGen allele CA2825001284.